The following is an entry in ClinVar:

NM_004177.5(STX3):c.367C>T (p.Leu123Phe)

Gene: STX3 (syntaxin 3; plus strand). Cytogenetic location: 11q12.1.
Variant type: single nucleotide variant.
Coding change: c.367C>T on transcript NM_004177.5 (MANE Select); coding-DNA position 367, C replaced by T.
Protein change: p.Leu123Phe; replaces leucine 123 with phenylalanine.
Molecular consequence: missense variant.
Genome position (GRCh38, 1-based): chr11:59,792,116, C>T. VCF-style: chr11-59792116-C-T. GRCh37 (hg19) VCF-style: chr11-59559589-C-T.
Other names: c.367C>T, p.Leu123Phe (NM_001178040.3); short protein forms L123F.
Identifiers: ClinVar variation 1385532 (VCV001385532.3), dbSNP rs2135015210, ClinGen allele CA380798558.

ClinVar aggregate classification (germline): Uncertain significance (1 of 4 stars; one submission).

Allele frequency attached by ClinVar (database versions not stated): gnomAD exomes below 0.00001.
gnomAD v4.1: 4 of 1,613,830 alleles (0.00025%); highest among the groups gnomAD compares: Non-Finnish European, 0.00034%; no homozygotes.

Submission:

Labcorp Genetics (formerly Invitae), Labcorp
Classification: Uncertain significance. Last evaluated: 2022-06-13. Review status: criteria provided, single submitter. Criteria: Invitae Variant Classification Sherloc (09022015). Collection method: clinical testing. Allele origin: germline.
Comment: This sequence change replaces leucine, which is neutral and non-polar, with phenylalanine, which is neutral and non-polar, at codon 123 of the STX3 protein (p.Leu123Phe). This variant is not present in population databases (gnomAD no frequency). This variant has not been reported in the literature in individuals affected with STX3-related conditions. Algorithms developed to predict the effect of missense changes on protein structure and function are either unavailable or do not agree on the potential impact of this missense change (SIFT: "Tolerated"; PolyPhen-2: "Probably Damaging"; Align-GVGD: "Class C0"). Algorithms developed to predict the effect of sequence changes on RNA splicing suggest that this variant may create or strengthen a splice site. In summary, the available evidence is currently insufficient to determine the role of this variant in disease. Therefore, it has been classified as a Variant of Uncertain Significance.